The following is an entry in ClinVar:

NM_001010892.3(RSPH4A):c.1873C>T (p.Gln625Ter)

Gene: RSPH4A (radial spoke head component 4A; plus strand). Cytogenetic location: 6q22.1.
Variant type: single nucleotide variant.
Coding change: c.1873C>T on transcript NM_001010892.3 (MANE Select); coding-DNA position 1873, C replaced by T.
Protein change: p.Gln625Ter; replaces glutamine 625 with a stop codon.
Molecular consequence: nonsense. On other transcripts: synonymous variant (1).
Genome position (GRCh38, 1-based): chr6:116,630,509, C>T. VCF-style: chr6-116630509-C-T. GRCh37 (hg19) VCF-style: chr6-116951672-C-T.
Other names: c.1737C>T, p.Phe579= (NM_001161664.2); short protein forms Q625*.
Identifiers: ClinVar variation 2991948 (VCV002991948.3), dbSNP rs377489011, ClinGen allele CA365410253.

ClinVar aggregate classification (germline): Pathogenic (1 of 4 stars; one submission).

Conditions:
Primary ciliary dyskinesia. Also called: Ciliary dyskinesia. Identifiers: Orphanet 244, MedGen C0008780, MONDO:0016575, HP:0012265.

Submission:

Labcorp Genetics (formerly Invitae), Labcorp
Classification: Pathogenic for Primary ciliary dyskinesia. Last evaluated: 2023-07-12. Review status: criteria provided, single submitter. Criteria: Invitae Variant Classification Sherloc (09022015). Collection method: clinical testing. Allele origin: germline.
Comment: For these reasons, this variant has been classified as Pathogenic. This variant disrupts a region of the RSPH4A protein in which other variant(s) (p.Ser671Glnfs*10) have been determined to be pathogenic (Invitae). This suggests that this is a clinically significant region of the protein, and that variants that disrupt it are likely to be disease-causing. This variant has not been reported in the literature in individuals affected with RSPH4A-related conditions. This variant is not present in population databases (gnomAD no frequency). This sequence change creates a premature translational stop signal (p.Gln625*) in the RSPH4A gene. While this is not anticipated to result in nonsense mediated decay, it is expected to disrupt the last 92 amino acid(s) of the RSPH4A protein.